The following is an entry in ClinVar:

ClinVar aggregate classification (germline): Likely pathogenic. Review status: criteria provided, multiple submitters, no conflicts (2 of 4 stars). 2 submissions from 2 submitters: Likely pathogenic (2). Last evaluated 2022-09-22.

Conditions:
Familial aortopathy. Identifiers: MedGen CN078214.

Submissions (2):

GeneDx
Classification: Likely pathogenic. Last evaluated: 2022-09-22. Review status: criteria provided, single submitter. Criteria: GeneDx Variant Classification Process June 2021. Collection method: clinical testing. Allele origin: germline. Affected: yes.
Comment: Canonical splice site variant predicted to result in a null allele in a gene for which loss of function is a known mechanism of disease; Not observed at significant frequency in large population cohorts (gnomAD); Has not been previously published as pathogenic or benign to our knowledge

Women's Health and Genetics/Laboratory Corporation of America, LabCorp
Classification: Likely pathogenic for Familial aortopathy. Last evaluated: 2020-02-14. Review status: criteria provided, single submitter. Criteria: LabCorp Variant Classification Summary - May 2015. Collection method: clinical testing. Allele origin: germline.
Comment: Variant summary: TGFB2 c.1086+2T>C is located in a canonical splice-site and is predicted to affect mRNA splicing resulting in a significantly altered protein due to either exon skipping, shortening, or inclusion of intronic material. Several computational tools predict a significant impact on normal splicing: Three predict the variant abolishes a 5' canonical splicing donor site. However, these predictions have yet to be confirmed by functional studies. The variant was absent in 244770 control chromosomes (gnomAD). To our knowledge, no occurrence of c.1086+2T>C in individuals affected with Aortopathy and no experimental evidence demonstrating its impact on protein function have been reported. No clinical diagnostic laboratories have submitted clinical-significance assessments for this variant to ClinVar after 2014. Based on the evidence outlined above, the variant was classified as likely pathogenic.

NM_003238.6(TGFB2):c.1086+2T>C

Gene: TGFB2 (transforming growth factor beta 2; plus strand). Cytogenetic location: 1q41.
Variant type: single nucleotide variant.
Coding change: c.1086+2T>C on transcript NM_003238.6 (MANE Select); the canonical splice donor site of the intron after coding-DNA position 1086, T replaced by C.
Molecular consequence: splice donor variant.
Genome position (GRCh38, 1-based): chr1:218,437,498, T>C. VCF-style: chr1-218437498-T-C. GRCh37 (hg19) VCF-style: chr1-218610840-T-C.
Other names: c.1170+2T>C (NM_001135599.4).
Identifiers: ClinVar variation 917703 (VCV000917703.2), dbSNP rs1660010402, ClinGen allele CA344727743.